The following is an entry in ClinVar:

ClinVar aggregate classification (germline): Uncertain significance (1 of 4 stars; one submission).

Conditions:
Familial thoracic aortic aneurysm and aortic dissection (TAAD). Also called: Thoracic aortic aneurysms and dissections. Identifiers: Orphanet 91387, MedGen C4707243, MONDO:0019625.

Submission:

Ambry Genetics
Classification: Uncertain significance for Familial thoracic aortic aneurysm and aortic dissection. Last evaluated: 2025-01-13. Review status: criteria provided, single submitter. Criteria: Ambry Variant Classification Scheme 2023. Collection method: clinical testing. Allele origin: germline.
Comment: The p.N455T variant (also known as c.1364A>C), located in coding exon 3 of the SLC2A10 gene, results from an A to C substitution at nucleotide position 1364. The asparagine at codon 455 is replaced by threonine, an amino acid with similar properties. This amino acid position is conserved. In addition, the in silico prediction for this alteration is inconclusive. Based on the available evidence, the clinical significance of this variant remains unclear.

NM_030777.4(SLC2A10):c.1364A>C (p.Asn455Thr)

Gene: SLC2A10 (solute carrier family 2 member 10; plus strand). Cytogenetic location: 20q13.12.
Variant type: single nucleotide variant.
Coding change: c.1364A>C on transcript NM_030777.4 (MANE Select); coding-DNA position 1364, A replaced by C.
Protein change: p.Asn455Thr; replaces asparagine 455 with threonine.
Molecular consequence: missense variant.
Genome position (GRCh38, 1-based): chr20:46,726,939, A>C. VCF-style: chr20-46726939-A-C. GRCh37 (hg19) VCF-style: chr20-45355578-A-C.
Other names: short protein forms N455T.
Identifiers: ClinVar variation 3797357 (VCV003797357.1).
Genomic context (GRCh38, chr20:46,726,939, plus strand): 5'-TCAGCGAGATCTACCCTGTGGAGATACGAGGAAGAGCCTTCGCCTTCTGCAACAGCTTCA[A>C]CTGGGCGGCCAACCTCTTCATCAGCCTCTCCTTCCTCGATCTCATTGGTGAGTCCTTCCC-3'
Protein context (NP_110404.1, residues 445-465): GRAFAFCNSF[Asn455Thr]WAANLFISLS